The following is an entry in ClinVar:

NM_020738.4(KIDINS220):c.5092A>G (p.Asn1698Asp)

Gene: KIDINS220 (kinase D interacting substrate 220; minus strand). Cytogenetic location: 2p25.1.
Variant type: single nucleotide variant.
Coding change: c.5092A>G on transcript NM_020738.4 (MANE Select); coding-DNA position 5092, A replaced by G.
Protein change: p.Asn1698Asp; replaces asparagine 1698 with aspartic acid.
Molecular consequence: missense variant. On other transcripts: intron variant (6).
Genome position (GRCh38, 1-based): chr2:8,730,944, T>C on the plus strand (A>G on the coding strand, the complement: KIDINS220 is on the minus strand). VCF-style: chr2-8730944-T-C. GRCh37 (hg19) VCF-style: chr2-8871074-T-C.
Other names: c.5095A>G, p.Asn1699Asp (NM_001348729.2); c.5038A>G, p.Asn1680Asp (NM_001348731.2); c.5035A>G, p.Asn1679Asp (NM_001348732.2); c.4924A>G, p.Asn1642Asp (NM_001348734.2); c.4921A>G, p.Asn1641Asp (NM_001348735.2); c.4795A>G, p.Asn1599Asp (NM_001348736.2); c.3882+2500A>G (NM_001348741.2, NM_001348742.2, NM_001348743.2); c.3996+2500A>G (NM_001348738.2); and 1 more; short protein forms N1599D, N1641D, N1642D, N1679D, N1680D, N1698D, N1699D.
Identifiers: ClinVar variation 2634302 (VCV002634302.29), dbSNP rs373610139, ClinGen allele CA1519251.

ClinVar aggregate classification (germline): Uncertain significance. Review status: criteria provided, multiple submitters, no conflicts (2 of 4 stars). 3 submissions from 3 submitters: Uncertain significance (3). Last evaluated 2026-04-28.

Conditions:
KIDINS220-related disorder. Also called: KIDINS220-related condition.

Allele frequency attached by ClinVar (database versions not stated): ExAC 0.00007; TOPMed 0.00012; gnomAD 0.00013; gnomAD exomes 0.00023; ESP Exome Variant Server 0.00033.
gnomAD v4.1: 368 of 1,614,086 alleles (0.023%); highest among the groups gnomAD compares: Non-Finnish European, 0.028%; no homozygotes.

Submissions (3):

PreventionGenetics, part of Exact Sciences
Classification: Uncertain significance for KIDINS220-related condition. Last evaluated: 2026-04-28. Review status: criteria provided, single submitter. Criteria: ACMG Guidelines, 2015. Collection method: clinical testing. Allele origin: germline.
Comment: The KIDINS220 c.5092A>G variant is predicted to result in the amino acid substitution p.Asn1698Asp. To our knowledge, this variant has not been previously reported in the literature in association with disease. This variant is reported in 0.020% of alleles in individuals of European (Finnish) descent in gnomAD. At this time, the clinical significance of this variant is uncertain due to the absence of conclusive functional and genetic evidence.

Labcorp Genetics (formerly Invitae), Labcorp
Classification: Uncertain significance. Last evaluated: 2025-12-10. Review status: criteria provided, single submitter. Criteria: Invitae Variant Classification Sherloc (09022015). Collection method: clinical testing. Allele origin: germline.
Comment: This sequence change replaces asparagine, which is neutral and polar, with aspartic acid, which is acidic and polar, at codon 1698 of the KIDINS220 protein (p.Asn1698Asp). This variant is present in population databases (rs373610139, gnomAD 0.02%). This variant has not been reported in the literature in individuals affected with KIDINS220-related conditions. ClinVar contains an entry for this variant (Variation ID: 2634302). An algorithm developed to predict the effect of missense changes on protein structure and function (PolyPhen-2) suggests that this variant is likely to be tolerated. In summary, the available evidence is currently insufficient to determine the role of this variant in disease. Therefore, it has been classified as a Variant of Uncertain Significance.

CeGaT Center for Human Genetics Tuebingen
Classification: Uncertain significance. Last evaluated: 2023-11-01. Review status: criteria provided, single submitter. Criteria: CeGaT Center For Human Genetics Tuebingen Variant Classification Criteria Version 2. Collection method: clinical testing. Allele origin: germline. Affected: yes. Observed: 1 variant allele.
Comment: KIDINS220: PM2, BP4